The following is an entry in ClinVar:

NM_022124.6(CDH23):c.4762C>T (p.Arg1588Trp)

Gene: CDH23 (cadherin related 23; plus strand). Cytogenetic location: 10q22.1.
Variant type: single nucleotide variant.
Coding change: c.4762C>T on transcript NM_022124.6 (MANE Select); coding-DNA position 4762, C replaced by T.
Protein change: p.Arg1588Trp; replaces arginine 1588 with tryptophan.
Molecular consequence: missense variant.
Genome position (GRCh38, 1-based): chr10:71,741,838, C>T. VCF-style: chr10-71741838-C-T. GRCh37 (hg19) VCF-style: chr10-73501595-C-T.
Other names: short protein forms R1588W.
Identifiers: ClinVar variation 877825 (VCV000877825.29), dbSNP rs137937502, ClinGen allele CA5545144.

ClinVar aggregate classification (germline): Conflicting classifications of pathogenicity. Review status: criteria provided, conflicting classifications (1 of 4 stars). 12 submissions from 12 submitters: Likely pathogenic (10); Uncertain significance (2). Last evaluated 2026-03-19.

Conditions:
CDH23-related disorder. Also called: CDH23-related disorders; CDH23-related condition.
Pituitary adenoma 5, multiple types. Identifiers: MedGen C4539685, MONDO:0054601, OMIM 617540.
Autosomal recessive nonsyndromic hearing loss 12. Also called: DEAFNESS, AUTOSOMAL RECESSIVE 12. Identifiers: Orphanet 90636, MedGen C1832394, MONDO:0011067, OMIM 601386.
Usher syndrome type 1D (USH1D). Also called: USHER SYNDROME, TYPE ID. Identifiers: Orphanet 231169, Orphanet 886, MedGen C1832845, MONDO:0010984, OMIM 601067.
Usher syndrome type 1 (USH1). Also called: RETINITIS PIGMENTOSA AND CONGENITAL DEAFNESS. Identifiers: Orphanet 231169, Orphanet 886, MedGen C1568247, MONDO:0010168, OMIM 276900.
Usher syndrome. Also called: Usher's syndrome; Usher Syndromes. Identifiers: Orphanet 886, MedGen CN469326, MeSH D052245, MONDO:0019501. Disease mechanism: loss of function.

Allele frequency attached by ClinVar (database versions not stated): ESP Exome Variant Server 0.00008; TOPMed 0.00017; 1000 Genomes Project 30x 0.00062; 1000 Genomes Project 0.00080.
gnomAD v4.1: 284 of 1,610,756 alleles (0.018%); highest among the groups gnomAD compares: East Asian, 0.36%; 2 homozygotes.

Submissions (12):

PreventionGenetics, part of Exact Sciences
Classification: Likely pathogenic for CDH23-related condition. Last evaluated: 2026-03-19. Review status: criteria provided, single submitter. Criteria: ACMG Guidelines, 2015. Collection method: clinical testing. Allele origin: germline.
Comment: The CDH23 c.4762C>T variant is predicted to result in the amino acid substitution p.Arg1588Trp. This variant has been reported in the homozygous state in 20 individuals and compound heterozygous state along with a known pathogenic or potentially causative CDH23 variant in more than 35 individuals with hearing loss, and was characterized as causing non-syndromic late-onset high frequency hearing loss (Miyagawa et al. 2012. PubMed ID: 22899989; Table S4, Moteki et al. 2015. PubMed ID: 26346818; Kim et al. 2016. PubMed ID: 27792758; Uehara et al. 2021. PubMed ID: 34824372; Table S2, Usami et al. 2022. PubMed ID: 35020051). This variant has also been reported in an individual with Usher syndrome along with a second variant of uncertain significance (Chen et al. 2020. PubMed ID: 31872526). This variant is reported in 0.11% of alleles in individuals of East Asian descent in gnomAD, including one homozygote. This frequency is higher than expected for a pathogenic variant in this gene, but is not inconsistent with a late onset phenotype. This variant is interpreted as likely pathogenic by the majority of labs in ClinVar (Variation ID: 877825). This variant is interpreted as likely pathogenic.

Labcorp Genetics (formerly Invitae), Labcorp
Classification: Likely pathogenic. Last evaluated: 2026-01-25. Review status: criteria provided, single submitter. Criteria: Invitae Variant Classification Sherloc (09022015). Collection method: clinical testing. Allele origin: germline.
Comment: This sequence change replaces arginine, which is basic and polar, with tryptophan, which is neutral and slightly polar, at codon 1588 of the CDH23 protein (p.Arg1588Trp). This variant is present in population databases (rs137937502, gnomAD 0.1%). This missense change has been observed in individuals with CDH23-related conditions (PMID: 23967202, 25587757, 26346818, 27792758, 30123251, 30828794, 31872526, 34416374, 34599366, 34824372, 35020051, 38790200). ClinVar contains an entry for this variant (Variation ID: 877825). Invitae Evidence Modeling of protein sequence and biophysical properties (such as structural, functional, and spatial information, amino acid conservation, physicochemical variation, residue mobility, and thermodynamic stability) has been performed for this missense variant. However, the output from this modeling did not meet the statistical confidence thresholds required to predict the impact of this variant on CDH23 protein function. In summary, the currently available evidence indicates that the variant is pathogenic, but additional data are needed to prove that conclusively. Therefore, this variant has been classified as Likely Pathogenic.

Natera, Inc.
Classification: Likely pathogenic for Usher syndrome type 1. Last evaluated: 2025-11-10. Review status: criteria provided, single submitter. Criteria: Natera Variant Classification Schema (03/2026). Collection method: clinical testing. Allele origin: germline.
Comment: The c.4762C>T variant in CDH23 is a missense variant predicted to cause substitution of arginine to tryptophan at amino acid 1588. This variant is rare in the general population with a frequency below the threshold expected for the associated phenotype(s). This variant has been observed in one or more individuals affected with the associated recessive disease, as either homozygous or compound heterozygous with a second variant (PMID: 35020051). Computational prediction algorithms indicate this variant is likely to affect gene or protein function. Given the available evidence, this variant is classified as Likely Pathogenic.

3billion
Classification: Likely pathogenic for Autosomal recessive nonsyndromic hearing loss 12. Last evaluated: 2025-10-10. Review status: criteria provided, single submitter. Criteria: ACMG Guidelines, 2015. Collection method: clinical testing. Allele origin: germline. Affected: yes.
Comment: The variant is observed at an extremely low frequency in the gnomAD v4.1.0 dataset (total allele frequency: 0.018%). Predicted Consequence/Location: Missense variant. The majority of the known disease-causing variants of this gene are variants expected to result in premature termination of the protein. Damaging effect on gene or gene product predicted by in silico programs is uncertain [REVEL: 0.42 (damaging >=0.6, benign <0.4)]. The same nucleotide change resulting in the same amino acid change has been previously reported as pathogenic/likely pathogenic with strong evidence (ClinVar ID: VCV000877825 /PMID: 23967202). Therefore, this variant is classified as Likely pathogenic according to the recommendation of ACMG/AMP guideline.

Women's Health and Genetics/Laboratory Corporation of America, LabCorp
Classification: Likely pathogenic for Usher syndrome. Last evaluated: 2025-09-24. Review status: criteria provided, single submitter. Criteria: LabCorp Variant Classification Summary - May 2015. Collection method: clinical testing. Allele origin: germline.
Comment: Variant summary: CDH23 c.4762C>T (p.Arg1588Trp) results in a non-conservative amino acid change in the encoded protein sequence. Algorithms developed to predict the effect of missense changes on protein structure and function are either unavailable or do not agree on the potential impact of this missense change. The variant allele was found at a frequency of 0.00018 in 1610756 control chromosomes, predominantly at a frequency of 0.0036 within the East Asian subpopulation in the gnomAD database, including one homozygote. The observed variant frequency within East Asian control individuals in the gnomAD database exceeds the estimated maximal expected allele frequency for disease-causing variants in CDH23 and we note that non-syndromic deafness may not be severe enough to exclude individuals from the gnomAD dataset (e.g. GJB2 c.35del). However, c.4762C>T has been reported in the literature in numerous homozygous and compound heterozygous individuals affected with autosomal recessive non-syndromic deafness, including cases where it has been confirmed to be in trans with a pathogenic variant, although at least one homozygous unaffected individual has also been reported which may suggest decreased penetrance or a hypomorphic allele (e.g. Miyagawa_2012, Kim_2016, Hu_2018, Usami_2022). These data indicate that the variant is likely to be associated with disease. To our knowledge, no experimental evidence demonstrating an impact on protein function has been reported. The following publications have been ascertained in the context of this evaluation (PMID: 30123251, 27792758, 22899989, 35020051). ClinVar contains an entry for this variant (Variation ID: 877825). Based on the evidence outlined above, the variant was classified as likely pathogenic.

GeneDx
Classification: Uncertain significance. Last evaluated: 2025-06-30. Review status: criteria provided, single submitter. Criteria: GeneDx Variant Classification Process June 2021. Collection method: clinical testing. Allele origin: germline. Affected: yes.
Comment: Reported in the homozygous state in patients with hearing loss as well as a relative with normal hearing (PMID: 22899989); In silico analysis supports that this missense variant has a deleterious effect on protein structure/function; This variant is associated with the following publications: (PMID: 31872526, 30828794, 26346818, 25587757, 26763877, 17850630, 27792758, 24767429, 30123251, 34426522, 34403091, 33297549, 34599366, 22899989, 23967202, 28265457, 34416374, 34824372, 36468022, 35020051, 38790200, 38720048, 39572598)

Revvity Omics, Revvity
Classification: Likely pathogenic. Last evaluated: 2024-08-07. Review status: criteria provided, single submitter. Criteria: ACMG Guidelines, 2015. Collection method: clinical testing. Allele origin: germline.

Blueprint Genetics
Classification: Likely pathogenic for CDH23-related disorders. Last evaluated: 2024-06-06. Review status: criteria provided, single submitter. Criteria: ACMG Guidelines, 2015. Collection method: clinical testing. Allele origin: germline. Affected: yes. Observed: 5 variant alleles.

Baylor Genetics
Classification: Likely pathogenic for Pituitary adenoma 5, multiple types. Last evaluated: 2024-03-22. Review status: criteria provided, single submitter. Criteria: ACMG Guidelines, 2015. Collection method: clinical testing. Allele origin: unknown.

Fulgent Genetics
Classification: Likely pathogenic for Usher syndrome type 1D; Autosomal recessive nonsyndromic hearing loss 12; Pituitary adenoma 5, multiple types. Last evaluated: 2024-01-23. Review status: criteria provided, single submitter. Criteria: ACMG Guidelines, 2015. Collection method: clinical testing. Allele origin: germline.

Illumina Laboratory Services, Illumina
Classification: Uncertain significance for Autosomal recessive nonsyndromic hearing loss 12. Last evaluated: 2023-12-18. Review status: criteria provided, single submitter. Criteria: ISL SNV Classification Criteria 03 February 2026. Collection method: clinical testing. Allele origin: unknown.
Comment: The CDH23 c.4762C>T p.(Arg1588Trp) missense variant has been identified in trans with a second CDH23 variant, including the known pathogenic p.Pro240Leu variant, and in a homozygous state in individuals with a phenotype consistent with autosomal recessive nonsyndromic hearing loss (PMID: 22899989; 30123251; 30828794; 34416374; 34824372; 36468022). However, this variant has also been identified in a homozygous state in one unaffected individual (PMID: 22899989). The highest frequency of this allele in the Genome Aggregation Database is 0.003550 in the East Asian population, which includes two homozygotes (version 4.0.0). This frequency is high but is consistent with disease prevalence. Based on the available evidence, the c.4762C>T p.(Arg1588Trp) variant is classified as a variant of uncertain significance for autosomal recessive nonsyndromic hearing loss.

Juno Genomics, Hangzhou Juno Genomics, Inc
Classification: Likely pathogenic for Autosomal recessive nonsyndromic hearing loss 12. Review status: criteria provided, single submitter. Criteria: ACMG Guidelines, 2015. Collection method: clinical testing. Allele origin: germline.
Comment: For recessive disorders, detected in trans with a pathogenic variant.

Literature cited by the submitters: PubMed 23967202 (cited by Labcorp Genetics (formerly Invitae), Labcorp and 3billion); PubMed 25587757 (cited by Labcorp Genetics (formerly Invitae), Labcorp); PubMed 26346818 (cited by Labcorp Genetics (formerly Invitae), Labcorp); PubMed 27792758 (cited by Labcorp Genetics (formerly Invitae), Labcorp and Women's Health and Genetics/Laboratory Corporation of America, LabCorp); PubMed 30123251 (cited by 3 submitters); PubMed 30828794 (cited by Labcorp Genetics (formerly Invitae), Labcorp and Illumina Laboratory Services, Illumina); PubMed 31872526 (cited by Labcorp Genetics (formerly Invitae), Labcorp); PubMed 34416374 (cited by Labcorp Genetics (formerly Invitae), Labcorp and Illumina Laboratory Services, Illumina); PubMed 34599366 (cited by Labcorp Genetics (formerly Invitae), Labcorp); PubMed 34824372 (cited by Labcorp Genetics (formerly Invitae), Labcorp and Illumina Laboratory Services, Illumina); PubMed 35020051 (cited by 3 submitters); PubMed 38790200 (cited by Labcorp Genetics (formerly Invitae), Labcorp); PubMed 22899989 (cited by Women's Health and Genetics/Laboratory Corporation of America, LabCorp and Illumina Laboratory Services, Illumina); PubMed 36468022 (cited by Illumina Laboratory Services, Illumina).